The following is an entry in ClinVar:

ClinVar aggregate classification (germline): Uncertain significance. Review status: criteria provided, multiple submitters, no conflicts (2 of 4 stars). 2 submissions from 2 submitters: Uncertain significance (2). Last evaluated 2025-08-21.

Conditions:
Cardiovascular phenotype. Identifiers: MedGen CN230736.
Long QT syndrome (LQTS). Identifiers: MedGen C0023976, MeSH D008133, MONDO:0002442. Disease mechanism: loss of function. Inheritance: Various modes of inheritance.

Allele frequency attached by ClinVar (database versions not stated): gnomAD exomes 0.00002; gnomAD 0.00001; ExAC 0.00002.
gnomAD v4.1: 14 of 1,613,266 alleles (0.00087%); highest among the groups gnomAD compares: South Asian, 0.015%; no homozygotes.

Submissions (2):

Labcorp Genetics (formerly Invitae), Labcorp
Classification: Uncertain significance for Long QT syndrome. Last evaluated: 2025-08-21. Review status: criteria provided, single submitter. Criteria: Invitae Variant Classification Sherloc (09022015). Collection method: clinical testing. Allele origin: germline.
Comment: This sequence change replaces glutamic acid, which is acidic and polar, with valine, which is neutral and non-polar, at codon 1466 of the ANK2 protein (p.Glu1466Val). This variant is present in population databases (rs764853637, gnomAD 0.02%). This variant has not been reported in the literature in individuals affected with ANK2-related conditions. ClinVar contains an entry for this variant (Variation ID: 1740259). Invitae Evidence Modeling of protein sequence and biophysical properties (such as structural, functional, and spatial information, amino acid conservation, physicochemical variation, residue mobility, and thermodynamic stability) has been performed for this missense variant. However, the output from this modeling did not meet the statistical confidence thresholds required to predict the impact of this variant on ANK2 protein function. In summary, the available evidence is currently insufficient to determine the role of this variant in disease. Therefore, it has been classified as a Variant of Uncertain Significance.

Ambry Genetics
Classification: Uncertain significance for Cardiovascular phenotype. Last evaluated: 2022-09-26. Review status: criteria provided, single submitter. Criteria: Ambry Variant Classification Scheme 2023. Collection method: clinical testing. Allele origin: germline.
Comment: The p.E1466V variant (also known as c.4397A>T), located in coding exon 36 of the ANK2 gene, results from an A to T substitution at nucleotide position 4397. The glutamic acid at codon 1466 is replaced by valine, an amino acid with dissimilar properties. This amino acid position is conserved. In addition, this alteration is predicted to be tolerated by in silico analysis. Since supporting evidence is limited at this time, the clinical significance of this alteration remains unclear.

NM_001148.6(ANK2):c.4397A>T (p.Glu1466Val)

Gene: ANK2 (ankyrin 2; plus strand). Cytogenetic location: 4q26.
Variant type: single nucleotide variant.
Coding change: c.4397A>T on transcript NM_001148.6 (MANE Select); coding-DNA position 4397, A replaced by T.
Protein change: p.Glu1466Val; replaces glutamic acid 1466 with valine.
Molecular consequence: missense variant. On other transcripts: intron variant (8).
Genome position (GRCh38, 1-based): chr4:113,348,301, A>T. VCF-style: chr4-113348301-A-T. GRCh37 (hg19) VCF-style: chr4-114269457-A-T.
Other names: c.4370A>T, p.Glu1457Val (NM_001127493.3); c.4409A>T, p.Glu1470Val (NM_001354225.2); c.4298A>T, p.Glu1433Val (NM_001354228.2, NM_001354258.2); c.4376A>T, p.Glu1459Val (NM_001354230.2); c.4439A>T, p.Glu1480Val (NM_001354231.2, NM_001354242.2); c.4433A>T, p.Glu1478Val (NM_001354232.2); c.4394A>T, p.Glu1465Val (NM_001354235.2, NM_001354246.2, NM_001354265.2); c.4295A>T, p.Glu1432Val (NM_001354236.2); and 33 more; short protein forms E1305V, E1366V, E1391V, E1404V, E1411V, E1421V, E1423V, E1444V.
Identifiers: ClinVar variation 1740259 (VCV001740259.3), dbSNP rs764853637, ClinGen allele CA3051079.
Genomic context (GRCh38, chr4:113,348,301, plus strand): 5'-TTTTTCCATCTTGCATGGCATCTTGGGGCGGAAAGGAATCAGAGTCAGATCAAGAACAGG[A>T]GGAAGAGGTAATTTTATGACAGTGTCACTTGTTATCGGCTGTGTCATTGCTGTAACCACT-3'
Protein context (NP_001139.3, residues 1456-1476): TKESESDQEQ[Glu1466Val]EEIDMTSEKN